The following is an entry in ClinVar:

ClinVar aggregate classification (germline): Uncertain significance (1 of 4 stars; one submission).

gnomAD v4.1: 15 of 1,534,656 alleles (0.00098%); highest among the groups gnomAD compares: African/African-American, 0.0014%; no homozygotes.

Submission:

GeneDx
Classification: Uncertain significance. Last evaluated: 2025-06-02. Review status: criteria provided, single submitter. Criteria: GeneDx Variant Classification Process June 2021. Collection method: clinical testing. Allele origin: germline.
Comment: In silico analysis supports that this missense variant has a deleterious effect on protein structure/function; Has not been previously published as pathogenic or benign to our knowledge

NM_001256071.3(RNF213):c.5455C>T (p.Arg1819Cys)

Gene: RNF213 (ring finger protein 213; plus strand). Cytogenetic location: 17q25.3.
Variant type: single nucleotide variant.
Coding change: c.5455C>T on transcript NM_001256071.3 (MANE Select); coding-DNA position 5455, C replaced by T.
Protein change: p.Arg1819Cys; replaces arginine 1819 with cysteine.
Molecular consequence: missense variant.
Genome position (GRCh38, 1-based): chr17:80,339,822, C>T. VCF-style: chr17-80339822-C-T. GRCh37 (hg19) VCF-style: chr17-78313622-C-T.
Other names: c.5602C>T, p.Arg1868Cys (NM_001410195.1, NM_020914.5); short protein forms R1819C, R1868C.
Identifiers: ClinVar variation 3777536 (VCV003777536.2).
Genomic context (GRCh38, chr17:80,339,822, plus strand): 5'-CTAGAGACCCTTGGCCACTGTCTGGCTCACCTGGCAGGGATGGGTGGGTCTCCCGTGGAG[C>T]GTTGTCTCCCGAGAGGTCTGCAGGTCGGCCAGCCCAACCTCGTCGTCTGTGGCCACTCCG-3'
Protein context (NP_001243000.2, residues 1809-1829): LAGMGGSPVE[Arg1819Cys]CLPRGLQVGQ